The following is an entry in ClinVar:

NM_001378969.1(KCND3):c.1942A>G (p.Asn648Asp)

Gene: KCND3 (potassium voltage-gated channel subfamily D member 3; minus strand). Cytogenetic location: 1p13.2.
Variant type: single nucleotide variant.
Coding change: c.1942A>G on transcript NM_001378969.1 (MANE Select); coding-DNA position 1942, A replaced by G.
Protein change: p.Asn648Asp; replaces asparagine 648 with aspartic acid.
Molecular consequence: missense variant.
Genome position (GRCh38, 1-based): chr1:111,776,103, T>C on the plus strand (A>G on the coding strand, the complement: KCND3 is on the minus strand). VCF-style: chr1-111776103-T-C. GRCh37 (hg19) VCF-style: chr1-112318725-T-C.
Other names: c.1885A>G, p.Asn629Asp (NM_001378970.1, NM_172198.3); c.1942A>G, p.Asn648Asp (NM_004980.5); short protein forms N648D, N629D.
Identifiers: ClinVar variation 1783070 (VCV001783070.2), dbSNP rs753669886, ClinGen allele CA1007312.

ClinVar aggregate classification (germline): Uncertain significance (1 of 4 stars; one submission).

Conditions:
Cardiovascular phenotype. Identifiers: MedGen CN230736.

Allele frequency attached by ClinVar (database versions not stated): ExAC 0.00001; gnomAD 0.00001; TOPMed 0.00001.
gnomAD v4.1: 2 of 1,614,046 alleles (0.00012%); highest among the groups gnomAD compares: African/African-American, 0.0027%; no homozygotes.

Submission:

Ambry Genetics
Classification: Uncertain significance for Cardiovascular phenotype. Last evaluated: 2021-12-03. Review status: criteria provided, single submitter. Criteria: Ambry Variant Classification Scheme 2023. Collection method: clinical testing. Allele origin: germline.
Comment: The p.N648D variant (also known as c.1942A>G), located in coding exon 7 of the KCND3 gene, results from an A to G substitution at nucleotide position 1942. The asparagine at codon 648 is replaced by aspartic acid, an amino acid with highly similar properties. This amino acid position is highly conserved in available vertebrate species. In addition, this alteration is predicted to be tolerated by in silico analysis. Since supporting evidence is limited at this time, the clinical significance of this alteration remains unclear.